The following is an entry in ClinVar:

NM_001706.5(BCL6):c.1477G>A (p.Ala493Thr)

Genes: BCL6 (BCL6 transcription repressor; minus strand), LOC100131635 (hCG1645011-like; plus strand). Cytogenetic location: 3q27.3.
Variant type: single nucleotide variant.
Coding change: c.1477G>A on transcript NM_001706.5 (MANE Select); coding-DNA position 1477, G replaced by A.
Protein change: p.Ala493Thr; replaces alanine 493 with threonine.
Molecular consequence: missense variant.
Genome position (GRCh38, 1-based): chr3:187,728,423, C>T on the plus strand (G>A on the coding strand, the complement: BCL6 is on the minus strand). VCF-style: chr3-187728423-C-T. GRCh37 (hg19) VCF-style: chr3-187446211-C-T.
Other names: c.1477G>A, p.Ala493Thr (NM_001130845.2, NM_001134738.2); short protein forms A493T.
Identifiers: ClinVar variation 133676 (VCV000133676.1), dbSNP rs2229362, ClinGen allele CA157281.

ClinVar aggregate classification (germline): not provided (0 of 4 stars; one submission).

Allele frequency attached by ClinVar (database versions not stated): TOPMed 0.22597; ESP Exome Variant Server 0.23774; ExAC 0.17591; gnomAD 0.22110 and 0.21333; 1000 Genomes Project 0.18510; 1000 Genomes Project 30x 0.19347.
gnomAD v4.1: 251,122 of 1,610,620 alleles (16%); highest among the groups gnomAD compares: African/African-American, 41%; 22,858 homozygotes.

Submission:

ITMI
No classification provided. Condition: AllHighlyPenetrant. Last evaluated: 2013-09-19. Review status: no classification provided. Collection method: reference population. Allele origin: germline.
Comment: Please see associated publication for description of ethnicities

Literature cited by the submitters: PubMed 24728327.